The following is an entry in ClinVar:

NM_207122.2(EXT2):c.537-4_561del

Gene: EXT2 (exostosin glycosyltransferase 2; plus strand). Cytogenetic location: 11p11.2.
Variant type: Deletion.
Coding change: c.537-4_561del on transcript NM_207122.2 (MANE Select); 4 bases into the intron before coding-DNA position 537 through coding-DNA position 561, 29 bases deleted (ACAGGTGGGATCGAGGTACGAATCACCTG).
Molecular consequence: splice acceptor variant.
Genome position (GRCh38, 1-based): chr11:44,109,190-44,109,218, ACAGGTGGGATCGAGGTACGAATCACCTG deleted; deleting any 29 consecutive bases within chr11:44,109,188-44,109,218 gives the same sequence; the c. name uses the placement nearest the transcript's 3' end. VCF-style (leftmost placement, unchanged base first): chr11-44109187-TTGACAGGTGGGATCGAGGTACGAATCACC-T. GRCh37 (hg19) VCF-style: chr11-44130737-TTGACAGGTGGGATCGAGGTACGAATCACC-T.
Other names: c.537-4_561del (NM_001389630.1, NM_001178083.3, NM_001389628.1); c.636-4_660del (NM_000401.3).
Identifiers: ClinVar variation 1392678 (VCV001392678.6), dbSNP rs2134971478, ClinGen allele CA2573146281.

ClinVar aggregate classification (germline): Pathogenic (1 of 4 stars; one submission).

Conditions:
Exostoses, multiple, type 2 (EXT2). Also called: Hereditary Multiple Osteochondromatosis, Type II; EXOSTOSES, MULTIPLE, TYPE II. Identifiers: Orphanet 321, MedGen C1851413, MONDO:0007586, OMIM 133701.

Submission:

Labcorp Genetics (formerly Invitae), Labcorp
Classification: Pathogenic for Exostoses, multiple, type 2. Last evaluated: 2022-06-13. Review status: criteria provided, single submitter. Criteria: Invitae Variant Classification Sherloc (09022015). Collection method: clinical testing. Allele origin: germline.
Comment: For these reasons, this variant has been classified as Pathogenic. Algorithms developed to predict the effect of sequence changes on RNA splicing suggest that this variant may disrupt the consensus splice site. This variant has been observed in individual(s) with clinical features of hereditary multiple osteochondromas (Invitae). This variant is not present in population databases (gnomAD no frequency). This variant results in the deletion of part of exon 3 (c.537-4_561del) of the EXT2 gene. It is expected to disrupt RNA splicing. Variants that disrupt the donor or acceptor splice site typically lead to a loss of protein function (PMID: 16199547), and loss-of-function variants in EXT2 are known to be pathogenic (PMID: 10679937, 19810120).

Literature cited by the submitters: PubMed 16199547; PubMed 10679937; PubMed 19810120.